The following is an entry in ClinVar:

NM_007294.4(BRCA1):c.3862G>T (p.Glu1288Ter)

Genes: BRCA1 (BRCA1 DNA repair associated; minus strand), LOC126862571 (BRD4-independent group 4 enhancer GRCh37_chr17:41243136-41244335; plus strand). Cytogenetic location: 17q21.31.
Variant type: single nucleotide variant.
Coding change: c.3862G>T on transcript NM_007294.4 (MANE Select); coding-DNA position 3862, G replaced by T.
Protein change: p.Glu1288Ter; replaces glutamic acid 1288 with a stop codon.
Molecular consequence: nonsense. On other transcripts: intron variant (135).
Genome position (GRCh38, 1-based): chr17:43,091,669, C>A on the plus strand (G>T on the coding strand, the complement: BRCA1 is on the minus strand). VCF-style: chr17-43091669-C-A. GRCh37 (hg19) VCF-style: chr17-41243686-C-A.
Other names: 3981G>T-Glu1288ter; p.Glu1288Ter; c.3649G>T, p.Glu1217Ter (NM_001407571.1, NM_001407853.1, NM_001407894.1 and 9 more transcripts); c.3862G>T, p.Glu1288Ter (NM_001407581.1, NM_001407582.1, NM_001407583.1 and 30 more transcripts); c.3859G>T, p.Glu1287Ter (NM_001407587.1, NM_001407590.1, NM_001407591.1 and 22 more transcripts); c.3853G>T, p.Glu1285Ter (NM_001407646.1, NM_001407647.1); c.3739G>T, p.Glu1247Ter (NM_001407648.1, NM_001407664.1, NM_001407665.1 and 19 more transcripts); c.3736G>T, p.Glu1246Ter (NM_001407649.1, NM_001407670.1, NM_001407671.1 and 11 more transcripts); and 43 more; short protein forms E1288*, E1241*, E1160*, E1161*, E1177*, E1217*, E1246*, E1285*.
Identifiers: ClinVar variation 266413 (VCV000266413.9), dbSNP rs876659708, ClinGen allele CA10589718.

ClinVar aggregate classification (germline): Pathogenic. Review status: reviewed by expert panel (3 of 4 stars). 3 submissions from 3 submitters: Pathogenic (1). 2 of the submissions do not count toward it. Last evaluated 2016-10-18.

Conditions:
Breast-ovarian cancer, familial, susceptibility to, 1 (BROVCA1). Also called: BRCA1 Hereditary Breast and Ovarian Cancer; OVARIAN CANCER, SUSCEPTIBILITY TO. Identifiers: Orphanet 145, MedGen C2676676, MONDO:0011450, OMIM 604370. Disease mechanism: loss of function.

Submissions (3):

Evidence-based Network for the Interpretation of Germline Mutant Alleles (ENIGMA)
Classification: Pathogenic for Breast-ovarian cancer, familial, susceptibility to, 1. Last evaluated: 2016-10-18. Review status: reviewed by expert panel. Criteria: ENIGMA BRCA1/2 Classification Criteria (2015). Collection method: curation. Allele origin: germline.
Comment: Variant allele predicted to encode a truncated non-functional protein.

Molecular Genetics and NGS Laboratory, Hospital Fundacion Valle Del Lili
Classification: Pathogenic for Breast-ovarian cancer, familial, susceptibility to, 1. Last evaluated: 2024-08-22. Review status: criteria provided, single submitter. Criteria: ACMG Guidelines, 2015. Collection method: clinical testing. Allele origin: germline. Affected: yes. Observed: 1 variant allele. Not counted in ClinVar's aggregate classification.
Comment: Null variant (nonsense) in gene BRCA1, predicted to cause NMD. Loss-of-function is a known mechanism of disease (PVS1). Combined evidence strength is Very Strong (score = 12).Very Strong: ClinVar classifies this variant as Pathogenic, 3 stars. Strong: LOVD classifies this variant as Pathogenic (PP5). Variant not found in gnomAD genomes, Variant not found in gnomAD exomes (PM2).

Consortium of Investigators of Modifiers of BRCA1/2 (CIMBA), c/o University of Cambridge
Classification: Pathogenic for Breast-ovarian cancer, familial, susceptibility to, 1. Last evaluated: 2015-10-02. Review status: criteria provided, single submitter. Criteria: CIMBA Mutation Classification guidelines May 2016. Collection method: clinical testing. Allele origin: germline. Not counted in ClinVar's aggregate classification.